The following is an entry in ClinVar:

ClinVar aggregate classification (germline): Uncertain significance (1 of 4 stars; one submission).

Allele frequency attached by ClinVar (database versions not stated): gnomAD exomes below 0.00001.
gnomAD v4.1: 2 of 1,612,872 alleles (0.00012%); highest among the groups gnomAD compares: Non-Finnish European, 0.00017%; no homozygotes.

Submission:

Athena Diagnostics
Classification: Uncertain significance. Last evaluated: 2023-08-18. Review status: criteria provided, single submitter. Criteria: Athena Diagnostics Criteria. Collection method: clinical testing. Allele origin: unknown.
Comment: Available data are insufficient to determine the clinical significance of the variant at this time. The frequency of this variant in the general population is uninformative in assessment of its pathogenicity. This variant is in a coding region of the longest isoform of TTN, inferred model NM_001267550.1, however, it is in a non-coding region of the main skeletal and cardiac muscle isoforms of TTN. Computational tools yielded predictions that this amino acid change may be benign.

NM_001267550.2(TTN):c.36413C>A (p.Ala12138Asp)

Gene: TTN (titin; minus strand). Cytogenetic location: 2q31.2.
Variant type: single nucleotide variant.
Coding change: c.36413C>A on transcript NM_001267550.2 (MANE Select); coding-DNA position 36413, C replaced by A.
Protein change: p.Ala12138Asp; replaces alanine 12138 with aspartic acid.
Molecular consequence: missense variant. On other transcripts: intron variant (5).
Genome position (GRCh38, 1-based): chr2:178,663,854, G>T on the plus strand (C>A on the coding strand, the complement: TTN is on the minus strand). VCF-style: chr2-178663854-G-T. GRCh37 (hg19) VCF-style: chr2-179528581-G-T.
Other names: c.13283-21537C>A (NM_003319.4); c.13859-21537C>A (NM_133437.4); c.13658-21537C>A (NM_133432.3); c.31484-799C>A (NM_133378.4); c.34265-799C>A (NM_001256850.1); short protein forms A12138D.
Identifiers: ClinVar variation 2684089 (VCV002684089.1), dbSNP rs774711737, ClinGen allele CA349498589.